The following is an entry in ClinVar:

NM_001384732.1(CPLANE1):c.8672_8678delinsAT (p.Val2891fs)

Gene: CPLANE1 (ciliogenesis and planar polarity effector complex subunit 1; minus strand). Cytogenetic location: 5p13.2.
Variant type: Indel.
Coding change: c.8672_8678delinsAT on transcript NM_001384732.1 (MANE Select); coding-DNA positions 8672 to 8678, TACATCC replaced by AT.
Protein change: p.Val2891fs; shifts the reading frame from valine 2891.
Molecular consequence: frameshift variant.
Genome position (GRCh38, 1-based): chr5:37,138,834-37,138,840, GGATGTA replaced by AT on the plus strand (TACATCC replaced by AT on the coding strand, the reverse complement: CPLANE1 is on the minus strand). VCF-style: chr5-37138834-GGATGTA-AT. GRCh37 (hg19) VCF-style: chr5-37138936-GGATGTA-AT.
Other names: c.8510_8516delinsAT, p.Val2837fs (NM_023073.4); c.8510_8516delTACATCCinsAT (NM_023073.3); short protein forms V2837fs, V2891fs.
Identifiers: ClinVar variation 422968 (VCV000422968.4), dbSNP rs1064796131, ClinGen allele CA16618205.

ClinVar aggregate classification (germline): Pathogenic (1 of 4 stars; one submission).

Submission:

GeneDx
Classification: Pathogenic. Last evaluated: 2024-10-04. Review status: criteria provided, single submitter. Criteria: GeneDx Variant Classification Process June 2021. Collection method: clinical testing. Allele origin: germline. Affected: yes.
Comment: Frameshift variant predicted to result in protein truncation or nonsense mediated decay in a gene for which loss of function is a known mechanism of disease; Not observed at significant frequency in large population cohorts (gnomAD); Has not been previously published as pathogenic or benign to our knowledge